The following is an entry in ClinVar:

NM_000722.4(CACNA2D1):c.1421A>G (p.Glu474Gly)

Gene: CACNA2D1 (calcium voltage-gated channel auxiliary subunit alpha2delta 1; minus strand). Cytogenetic location: 7q21.11.
Variant type: single nucleotide variant.
Coding change: c.1421A>G on transcript NM_000722.4 (MANE Select); coding-DNA position 1421, A replaced by G.
Protein change: p.Glu474Gly; replaces glutamic acid 474 with glycine.
Molecular consequence: missense variant.
Genome position (GRCh38, 1-based): chr7:82,007,698, T>C on the plus strand (A>G on the coding strand, the complement: CACNA2D1 is on the minus strand). VCF-style: chr7-82007698-T-C. GRCh37 (hg19) VCF-style: chr7-81637014-T-C.
Other names: c.1421A>G, p.Glu474Gly (NM_001366867.1); short protein forms E474G.
Identifiers: ClinVar variation 4868108 (VCV004868108.1).

ClinVar aggregate classification (germline): Uncertain significance (1 of 4 stars; one submission).

Conditions:
Cardiovascular phenotype. Identifiers: MedGen CN230736.

gnomAD v4.1: 4 of 1,585,628 alleles (0.00025%); highest among the groups gnomAD compares: Non-Finnish European, 0.00035%; no homozygotes.

Submission:

Ambry Genetics
Classification: Uncertain significance for Cardiovascular phenotype. Last evaluated: 2026-04-18. Review status: criteria provided, single submitter. Criteria: Ambry Variant Classification Scheme 2023. Collection method: clinical testing. Allele origin: germline.
Comment: The p.E474G variant (also known as c.1421A>G), located in coding exon 16 of the CACNA2D1 gene, results from an A to G substitution at nucleotide position 1421. The glutamic acid at codon 474 is replaced by glycine, an amino acid with similar properties. This amino acid position is conserved. In addition, this alteration is predicted to be tolerated by in silico analysis. Based on the available evidence, the clinical significance of this variant remains unclear.